The following is an entry in ClinVar:

NM_000179.3(MSH6):c.195A>G (p.Ser65=)

Gene: MSH6 (mutS homolog 6; plus strand). Cytogenetic location: 2p16.3.
Variant type: single nucleotide variant.
Coding change: c.195A>G on transcript NM_000179.3 (MANE Select); coding-DNA position 195, A replaced by G.
Protein change: p.Ser65=; no amino-acid change (serine 65 retained).
Molecular consequence: synonymous variant. On other transcripts: 5 prime UTR variant (1).
Genome position (GRCh38, 1-based): chr2:47,783,428, A>G. VCF-style: chr2-47783428-A-G. GRCh37 (hg19) VCF-style: chr2-48010567-A-G.
Other names: c.195A>G, p.Ser65= (NM_001281492.2); c.-542A>G (NM_001281493.2).
Identifiers: ClinVar variation 755211 (VCV000755211.6), dbSNP rs1572698398, ClinGen allele CA426120768.
Genomic context (GRCh38, chr2:47,783,428, plus strand): 5'-CGGGGATGCGGCCTGGAGCGAGGCTGGGCCTGGGCCCAGGCCCTTGGCGCGCTCCGCGTC[A>G]CCGCCCAAGGCGAAGAACCTCAACGGAGGGCTGCGGAGATCGGTAGCGCCTGCTGCCCCC-3'
Protein context (NP_000170.1, residues 55-75): PGPRPLARSA[Ser65=]PPKAKNLNGG

ClinVar aggregate classification (germline): Conflicting classifications of pathogenicity. Review status: criteria provided, conflicting classifications (1 of 4 stars). 2 submissions from 2 submitters: Uncertain significance (1); Likely benign (1). Last evaluated 2024-02-18.

Conditions:
Lynch syndrome. Identifiers: Orphanet 144, MedGen C4552100, MONDO:0005835. Disease mechanism: loss of function.
Hereditary nonpolyposis colorectal neoplasms. Identifiers: MedGen C0009405, MeSH D003123.

Submissions (2):

Labcorp Genetics (formerly Invitae), Labcorp
Classification: Likely benign for Hereditary nonpolyposis colorectal neoplasms. Last evaluated: 2024-02-18. Review status: criteria provided, single submitter. Criteria: Invitae Variant Classification Sherloc (09022015). Collection method: clinical testing. Allele origin: germline.

All of Us Research Program, National Institutes of Health
Classification: Uncertain significance for Lynch syndrome. Last evaluated: 2023-03-23. Review status: criteria provided, single submitter. Criteria: ACMG Guidelines, 2015. Collection method: clinical testing. Allele origin: germline. Inheritance: Autosomal dominant inheritance. Observed: 1 variant allele, 1 heterozygote.
Comment: This variant is located in the MSH6 protein. To our knowledge, functional studies have not been reported for this variant. This variant has not been reported in individuals affected with MSH6-related disorders in the literature. This variant has not been identified in the general population by the Genome Aggregation Database (gnomAD). The available evidence is insufficient to determine the role of this variant in disease conclusively. Therefore, this variant is classified as a Variant of Uncertain Significance.

This study involves interpretation of variants in research participants for the purpose of population health screening. Participant phenotype was not available at the time of variant classification. Additional details can be found in publication PMID: 35346344, PMCID: PMC8962531